The following is an entry in ClinVar:

NM_000082.4(ERCC8):c.979A>G (p.Ile327Val)

Gene: ERCC8 (ERCC excision repair 8, CSA ubiquitin ligase complex subunit; minus strand). Cytogenetic location: 5q12.1.
Variant type: single nucleotide variant.
Coding change: c.979A>G on transcript NM_000082.4 (MANE Select); coding-DNA position 979, A replaced by G.
Protein change: p.Ile327Val; replaces isoleucine 327 with valine.
Molecular consequence: missense variant.
Genome position (GRCh38, 1-based): chr5:60,890,951, T>C on the plus strand (A>G on the coding strand, the complement: ERCC8 is on the minus strand). VCF-style: chr5-60890951-T-C. GRCh37 (hg19) VCF-style: chr5-60186778-T-C.
Other names: c.805A>G, p.Ile269Val (NM_001007233.3); c.520A>G, p.Ile174Val (NM_001290285.2); short protein forms I174V, I327V, I269V.
Identifiers: ClinVar variation 1934160 (VCV001934160.5), dbSNP rs2531770156, ClinGen allele CA359823143.

ClinVar aggregate classification (germline): Uncertain significance (1 of 4 stars; one submission).

Allele frequency attached by ClinVar (database versions not stated): gnomAD exomes below 0.00001.
gnomAD v4.1: 1 of 1,613,674 alleles (0.000062%); highest among the groups gnomAD compares: Non-Finnish European, 0.000085%; no homozygotes.

Submission:

Labcorp Genetics (formerly Invitae), Labcorp
Classification: Uncertain significance. Last evaluated: 2022-09-21. Review status: criteria provided, single submitter. Criteria: Invitae Variant Classification Sherloc (09022015). Collection method: clinical testing. Allele origin: germline.
Comment: Advanced modeling of protein sequence and biophysical properties (such as structural, functional, and spatial information, amino acid conservation, physicochemical variation, residue mobility, and thermodynamic stability) performed at Invitae indicates that this missense variant is not expected to disrupt ERCC8 protein function. In summary, the available evidence is currently insufficient to determine the role of this variant in disease. Therefore, it has been classified as a Variant of Uncertain Significance. Algorithms developed to predict the effect of sequence changes on RNA splicing suggest that this variant may disrupt the consensus splice site. This variant has not been reported in the literature in individuals affected with ERCC8-related conditions. This variant is not present in population databases (gnomAD no frequency). This sequence change replaces isoleucine, which is neutral and non-polar, with valine, which is neutral and non-polar, at codon 327 of the ERCC8 protein (p.Ile327Val).